The following is an entry in ClinVar:

NM_012123.4(MTO1):c.525_526del (p.Val176fs)

Gene: MTO1 (mitochondrial tRNA translation optimization 1; plus strand). Cytogenetic location: 6q13.
Variant type: Deletion.
Coding change: c.525_526del on transcript NM_012123.4 (MANE Select); coding-DNA positions 525 to 526, 2 bases deleted (GG; older notation c.525_526delGG).
Protein change: p.Val176fs; shifts the reading frame from valine 176.
Molecular consequence: frameshift variant.
Genome position (GRCh38, 1-based): chr6:73,466,596-73,466,597, GG deleted; deleting any 2 consecutive bases within chr6:73,466,594-73,466,597 gives the same sequence; the c. name uses the placement nearest the transcript's 3' end. VCF-style (leftmost placement, unchanged base first): chr6-73466593-TGG-T. GRCh37 (hg19) VCF-style: chr6-74176316-TGG-T.
Other names: c.525_526del, p.Val176fs (NM_001123226.2, NM_133645.3); short protein forms V176fs.
Identifiers: ClinVar variation 2129741 (VCV002129741.4), dbSNP rs2533246544, ClinGen allele CA2580075772.

ClinVar aggregate classification (germline): Pathogenic (1 of 4 stars; one submission).

Conditions:
Mitochondrial hypertrophic cardiomyopathy with lactic acidosis due to MTO1 deficiency. Also called: Combined oxidative phosphorylation deficiency 10; CARDIOMYOPATHY, INFANTILE HYPERTROPHIC MITOCHONDRIAL, AND LACTIC ACIDOSIS. Identifiers: Orphanet 314637, MedGen C4749921, MONDO:0013865, OMIM 614702.

Submission:

Labcorp Genetics (formerly Invitae), Labcorp
Classification: Pathogenic for Mitochondrial hypertrophic cardiomyopathy with lactic acidosis due to MTO1 deficiency. Last evaluated: 2023-11-21. Review status: criteria provided, single submitter. Criteria: Invitae Variant Classification Sherloc (09022015). Collection method: clinical testing. Allele origin: germline.
Comment: This sequence change creates a premature translational stop signal (p.Val176Cysfs*73) in the MTO1 gene. It is expected to result in an absent or disrupted protein product. Loss-of-function variants in MTO1 are known to be pathogenic (PMID: 22608499, 25058219). This variant is not present in population databases (gnomAD no frequency). This variant has not been reported in the literature in individuals affected with MTO1-related conditions. ClinVar contains an entry for this variant (Variation ID: 2129741). For these reasons, this variant has been classified as Pathogenic.

Literature cited by the submitters: PubMed 22608499; PubMed 25058219.